The following is an entry in ClinVar:

ClinVar aggregate classification (germline): Uncertain significance (1 of 4 stars; one submission).

Allele frequency attached by ClinVar (database versions not stated): ExAC 0.00001; gnomAD 0.00001 and 0.00003; gnomAD exomes 0.00001; TOPMed 0.00002; ESP Exome Variant Server 0.00008.
gnomAD v4.1: 10 of 1,612,060 alleles (0.00062%); highest among the groups gnomAD compares: Non-Finnish European, 0.00076%; no homozygotes.

Submission:

Labcorp Genetics (formerly Invitae), Labcorp
Classification: Uncertain significance. Last evaluated: 2020-10-07. Review status: criteria provided, single submitter. Criteria: Invitae Variant Classification Sherloc (09022015). Collection method: clinical testing. Allele origin: germline.
Comment: This variant is present in population databases (rs375408962, ExAC 0.002%). In summary, the available evidence is currently insufficient to determine the role of this variant in disease. Therefore, it has been classified as a Variant of Uncertain Significance. Experimental studies and prediction algorithms are not available or were not evaluated, and the functional significance of this variant is currently unknown. This variant has not been reported in the literature in individuals with COL18A1-related conditions. This sequence change replaces glycine with arginine at codon 707 of the COL18A1 protein (p.Gly707Arg). The glycine residue is highly conserved and there is a moderate physicochemical difference between glycine and arginine.

NM_001379500.1(COL18A1):c.2119G>A (p.Gly707Arg)

Gene: COL18A1 (collagen type XVIII alpha 1 chain; plus strand). Cytogenetic location: 21q22.3.
Variant type: single nucleotide variant.
Coding change: c.2119G>A on transcript NM_001379500.1 (MANE Select); coding-DNA position 2119, G replaced by A.
Protein change: p.Gly707Arg; replaces glycine 707 with arginine.
Molecular consequence: missense variant.
Genome position (GRCh38, 1-based): chr21:45,491,276, G>A. VCF-style: chr21-45491276-G-A. GRCh37 (hg19) VCF-style: chr21-46911190-G-A.
Other names: c.2659G>A, p.Gly887Arg (NM_030582.4); c.3364G>A, p.Gly1122Arg (NM_130444.3); short protein forms G1122R, G707R, G887R.
Identifiers: ClinVar variation 1020262 (VCV001020262.6), dbSNP rs375408962, ClinGen allele CA10066817.